The following is an entry in ClinVar:

NM_000260.4(MYO7A):c.3979G>A (p.Glu1327Lys)

Gene: MYO7A (myosin VIIA; plus strand). Cytogenetic location: 11q13.5.
Variant type: single nucleotide variant.
Coding change: c.3979G>A on transcript NM_000260.4 (MANE Select); coding-DNA position 3979, G replaced by A.
Protein change: p.Glu1327Lys; replaces glutamic acid 1327 with lysine.
Molecular consequence: missense variant.
Genome position (GRCh38, 1-based): chr11:77,192,105, G>A. VCF-style: chr11-77192105-G-A. GRCh37 (hg19) VCF-style: chr11-76903150-G-A.
Other names: c.3979G>A, p.Glu1327Lys (NM_001127180.2); c.3946G>A, p.Glu1316Lys (NM_001369365.1); short protein forms E1327K, E1316K.
Identifiers: ClinVar variation 177723 (VCV000177723.19), dbSNP rs373169422, ClinGen allele CA180657.

ClinVar aggregate classification (germline): Pathogenic/Likely pathogenic. Review status: criteria provided, multiple submitters, no conflicts (2 of 4 stars). 9 submissions from 9 submitters: Pathogenic (6); Likely pathogenic (3). Last evaluated 2026-09-04.

Conditions:
MYO7A-related disorder. Also called: MYO7A-related disorders.
Rare genetic deafness. Identifiers: Orphanet 96210, MedGen C5680250.
Usher syndrome. Also called: Usher Syndromes; Usher's syndrome. Identifiers: Orphanet 886, MedGen CN469326, MeSH D052245, MONDO:0019501. Disease mechanism: loss of function.
Autosomal dominant nonsyndromic hearing loss 11. Identifiers: Orphanet 90635, MedGen C1832475, MONDO:0011032, OMIM 601317.
Usher syndrome type 1 (USH1). Also called: RETINITIS PIGMENTOSA AND CONGENITAL DEAFNESS. Identifiers: Orphanet 231169, Orphanet 886, MedGen C1568247, MONDO:0010168, OMIM 276900.
Autosomal recessive nonsyndromic hearing loss 2. Also called: DEAFNESS, AUTOSOMAL RECESSIVE 2; NEUROSENSORY NONSYNDROMIC RECESSIVE DEAFNESS 2. Identifiers: Orphanet 90636, MedGen C1838701, MONDO:0010807, OMIM 600060.
Usher syndrome type 1B (USH1B). Also called: Usher syndrome type IB. Identifiers: MedGen C1848638, MONDO:0700087.

Allele frequency attached by ClinVar (database versions not stated): TOPMed 0.00002; ESP Exome Variant Server 0.00008.
gnomAD v4.1: 44 of 1,613,906 alleles (0.0027%); highest among the groups gnomAD compares: Non-Finnish European, 0.0032%; no homozygotes.

Submissions (9):

GeneDx
Classification: Likely pathogenic. Last evaluated: 2026-09-04. Review status: criteria provided, single submitter. Criteria: GeneDx Variant Classification Process June 2021. Collection method: clinical testing. Allele origin: germline.
Comment: In silico analysis supports that this missense variant has a deleterious effect on protein structure/function; This variant is associated with the following publications: (PMID: 25558175, 12112664, 30245029, 33576163, 20513143, 31964843, 21436283, 34948090, 36011402, 16470552)

PreventionGenetics, part of Exact Sciences
Classification: Pathogenic for MYO7A-related condition. Last evaluated: 2026-06-18. Review status: criteria provided, single submitter. Criteria: ACMG Guidelines, 2015. Collection method: clinical testing. Allele origin: germline.
Comment: The MYO7A c.3979G>A variant is predicted to result in the amino acid substitution p.Glu1327Lys. This variant has been reported in individuals with Usher syndrome (for examples see: Najera et al. 2002. PubMed ID: 12112664; Table S3, Azaiez et al. 2018. PubMed ID: 30245029; Table S2, Galbis-Martínez et al. 2021. PubMed ID: 33576163; Table S1, Griffith et al. 2022. PubMed ID: 36011402). This variant is reported in 0.0033% of alleles in individuals of South Asian descent in gnomAD. This variant is interpreted as pathogenic.

3billion
Classification: Likely pathogenic for Usher syndrome type 1. Last evaluated: 2025-08-13. Review status: criteria provided, single submitter. Criteria: ACMG Guidelines, 2015. Collection method: clinical testing. Allele origin: germline. Affected: yes.
Comment: The variant is observed at an extremely low frequency in the gnomAD v4.1.0 dataset (total allele frequency: 0.003%). Predicted Consequence/Location: Missense variant In silico tool predictions suggest damaging effect of the variant on gene or gene product [REVEL: 0.89 (>=0.6, sensitivity 0.68 and specificity 0.92); 3Cnet: 0.99 (> 0.75, sensitivity 0.96 and precision 0.92)]. The same nucleotide change resulting in the same amino acid change has been previously reported as pathogenic/likely pathogenic with strong evidence (ClinVar ID: VCV000177723 /PMID: 12112664). Different missense changes at the same codon (p.Glu1327Asp, p.Glu1327Gln) have been reported as pathogenic/likely pathogenic with strong evidence (ClinVar ID: VCV001487928, VCV001519816). Therefore, this variant is classified as Likely pathogenic according to the recommendation of ACMG/AMP guideline.

Labcorp Genetics (formerly Invitae), Labcorp
Classification: Pathogenic. Last evaluated: 2025-03-17. Review status: criteria provided, single submitter. Criteria: Invitae Variant Classification Sherloc (09022015). Collection method: clinical testing. Allele origin: germline.
Comment: This sequence change replaces glutamic acid, which is acidic and polar, with lysine, which is basic and polar, at codon 1327 of the MYO7A protein (p.Glu1327Lys). This variant is present in population databases (rs373169422, gnomAD 0.003%). This missense change has been observed in individual(s) with autosomal recessive Usher syndrome (PMID: 16470552, 20513143, 33576163). In at least one individual the data is consistent with being in trans (on the opposite chromosome) from a pathogenic variant. ClinVar contains an entry for this variant (Variation ID: 177723). Invitae Evidence Modeling of protein sequence and biophysical properties (such as structural, functional, and spatial information, amino acid conservation, physicochemical variation, residue mobility, and thermodynamic stability) has been performed for this missense variant. However, the output from this modeling did not meet the statistical confidence thresholds required to predict the impact of this variant on MYO7A protein function. For these reasons, this variant has been classified as Pathogenic.

Natera, Inc.
Classification: Pathogenic for Usher syndrome type 1B. Last evaluated: 2024-05-20. Review status: criteria provided, single submitter. Criteria: Natera Variant Classification Schema (03/2026). Collection method: clinical testing. Allele origin: germline.
Comment: The c.3979G>A variant in MYO7A is a missense variant predicted to cause substitution of glutamic acid to lysine at amino acid 1327. This variant may result in a truncated or dysfunctional protein product. This variant is rare in the general population with a frequency below the threshold expected for the associated phenotype(s). This variant has been observed in one or more individuals affected with the associated recessive disease, as either homozygous or compound heterozygous with a second variant (PMID: 27460420, 22135276). Given the available evidence, this variant is classified as Pathogenic.

Fulgent Genetics
Classification: Pathogenic for Usher syndrome type 1; Autosomal recessive nonsyndromic hearing loss 2; Autosomal dominant nonsyndromic hearing loss 11. Last evaluated: 2024-04-07. Review status: criteria provided, single submitter. Criteria: ACMG Guidelines, 2015. Collection method: clinical testing. Allele origin: germline.

Women's Health and Genetics/Laboratory Corporation of America, LabCorp
Classification: Pathogenic for Usher syndrome. Last evaluated: 2023-11-09. Review status: criteria provided, single submitter. Criteria: LabCorp Variant Classification Summary - May 2015. Collection method: clinical testing. Allele origin: germline.
Comment: Variant summary: MYO7A c.3979G>A (p.Glu1327Lys) results in a conservative amino acid change located in the FERM domain (IPR000299) of the encoded protein sequence. Four of five in-silico tools predict a damaging effect of the variant on protein function. The variant allele was found at a frequency of 1.2e-05 in 248322 control chromosomes (gnomAD). c.3979G>A has been reported in the literature in multiple bi-allelic individuals affected with Usher Syndrome (examples: Roux_2011, Vache_2010, Galbis-Martinez_2021, Mansard_2021). These data indicate that the variant is very likely to be associated with disease. The following publications have been ascertained in the context of this evaluation (PMID: 12112664, 25558175, 30245029, 33576163, 34948090, 16470552, 20513143, 21436283). Three submitters have cited clinical-significance assessments for this variant to ClinVar after 2014. All submitters classified the variant as pathogenic/likely pathogenic. Based on the evidence outlined above, the variant was classified as pathogenic.

Blueprint Genetics
Classification: Pathogenic for MYO7A-related disorders. Last evaluated: 2019-05-02. Review status: criteria provided, single submitter. Criteria: ACMG Guidelines, 2015. Collection method: clinical testing. Allele origin: germline. Affected: yes. Observed: 4 variant alleles.

Laboratory for Molecular Medicine, Mass General Brigham Personalized Medicine
Classification: Likely pathogenic for Rare genetic deafness. Last evaluated: 2017-02-21. Review status: criteria provided, single submitter. Criteria: LMM Criteria. Collection method: clinical testing. Allele origin: germline. Inheritance: Autosomal recessive inheritance. Observed: 2 variant alleles.
Comment: The p.Glu1327Lys variant in MYO7A has been previously reported in 4 individuals with Usher syndrome, one of whom carried a second pathogenic variant (Najera 200 2, Roux 2011, Sodi 2014, Vache 2010). This variant has been identified in 2/111 488 European chromosomes by the Genome Aggregation Database (gnomAD; dbSNP rs373169422). Although this variant has been seen i n the general population, its frequency is low enough to be consistent with a re cessive carrier frequency for Usher syndrome. Computational prediction tools and conservation analyses suggest that this variant may impact the protein, though this information alone is not predictive enough to determine pathogenicity. In s ummary, although additional studies are required to fully establish its clinical significance, this variant is likely pathogenic.

Literature cited by the submitters: PubMed 12112664 (cited by 3 submitters); PubMed 16470552 (cited by Labcorp Genetics (formerly Invitae), Labcorp and Women's Health and Genetics/Laboratory Corporation of America, LabCorp); PubMed 20513143 (cited by 3 submitters); PubMed 33576163 (cited by Labcorp Genetics (formerly Invitae), Labcorp and Women's Health and Genetics/Laboratory Corporation of America, LabCorp); PubMed 27460420 (cited by Natera, Inc.); PubMed 22135276 (cited by Natera, Inc.); PubMed 21436283 (cited by Women's Health and Genetics/Laboratory Corporation of America, LabCorp and Laboratory for Molecular Medicine, Mass General Brigham Personalized Medicine); PubMed 30245029 (cited by Women's Health and Genetics/Laboratory Corporation of America, LabCorp); PubMed 25558175 (cited by Women's Health and Genetics/Laboratory Corporation of America, LabCorp and Laboratory for Molecular Medicine, Mass General Brigham Personalized Medicine); PubMed 34948090 (cited by Women's Health and Genetics/Laboratory Corporation of America, LabCorp).